The following is an entry in ClinVar:

ClinVar aggregate classification (germline): Uncertain significance (1 of 4 stars; one submission).

Submission:

Labcorp Genetics (formerly Invitae), Labcorp
Classification: Uncertain significance. Last evaluated: 2024-05-21. Review status: criteria provided, single submitter. Criteria: Invitae Variant Classification Sherloc (09022015). Collection method: clinical testing. Allele origin: germline.
Comment: This sequence change replaces aspartic acid, which is acidic and polar, with asparagine, which is neutral and polar, at codon 111 of the PQBP1 protein (p.Asp111Asn). This variant is not present in population databases (gnomAD no frequency). This variant has not been reported in the literature in individuals affected with PQBP1-related conditions. Advanced modeling of protein sequence and biophysical properties (such as structural, functional, and spatial information, amino acid conservation, physicochemical variation, residue mobility, and thermodynamic stability) performed at Invitae indicates that this missense variant is not expected to disrupt PQBP1 protein function with a negative predictive value of 80%. In summary, the available evidence is currently insufficient to determine the role of this variant in disease. Therefore, it has been classified as a Variant of Uncertain Significance.

NM_001032382.2(PQBP1):c.331G>A (p.Asp111Asn)

Gene: PQBP1 (polyglutamine binding protein 1; plus strand). Cytogenetic location: Xp11.23.
Variant type: single nucleotide variant.
Coding change: c.331G>A on transcript NM_001032382.2 (MANE Select); coding-DNA position 331, G replaced by A.
Protein change: p.Asp111Asn; replaces aspartic acid 111 with asparagine.
Molecular consequence: missense variant. On other transcripts: intron variant (2).
Genome position (GRCh38, 1-based): chrX:48,902,271, G>A. VCF-style: chrX-48902271-G-A. GRCh37 (hg19) VCF-style: chrX-48759548-G-A.
Other names: c.331G>A, p.Asp111Asn (NM_001032384.1, NM_001167989.2, NM_005710.2 and 2 more transcripts); c.307G>A, p.Asp103Asn (NM_001167990.2); c.292+229G>A (NM_144495.3); c.202-171G>A (NM_001167992.1); short protein forms D111N, D103N.
Identifiers: ClinVar variation 3654067 (VCV003654067.2).